The following is an entry in ClinVar:

ClinVar aggregate classification (germline): Likely pathogenic. Review status: criteria provided, multiple submitters, no conflicts (2 of 4 stars). 2 submissions from 2 submitters: Likely pathogenic (2). Last evaluated 2024-04-15.

Conditions:
DMD-related disorder. Also called: DMD-related condition.

Submissions (2):

Blueprint Genetics
Classification: Likely pathogenic for DMD-related disorders. Last evaluated: 2024-04-15. Review status: criteria provided, single submitter. Criteria: ACMG Guidelines, 2015. Collection method: clinical testing. Allele origin: germline. Affected: yes. Observed: 3 variant alleles.

CeGaT Center for Human Genetics Tuebingen
Classification: Likely pathogenic. Last evaluated: 2023-01-01. Review status: criteria provided, single submitter. Criteria: CeGaT Center For Human Genetics Tuebingen Variant Classification Criteria Version 2. Collection method: clinical testing. Allele origin: germline. Affected: yes. Observed: 1 variant allele.
Comment: DMD: PM2, PP3, PP4, PS3:Supporting, PS4:Supporting

NM_004006.3(DMD):c.8217+32103G>T

Gene: DMD (dystrophin; minus strand). Cytogenetic location: Xp21.1.
Variant type: single nucleotide variant.
Coding change: c.8217+32103G>T on transcript NM_004006.3 (MANE Select); 32103 bases into the intron after coding-DNA position 8217, G replaced by T.
Molecular consequence: intron variant.
Genome position (GRCh38, 1-based): chrX:31,595,570, C>A on the plus strand (G>T on the coding strand, the complement: DMD is on the minus strand). VCF-style: chrX-31595570-C-A. GRCh37 (hg19) VCF-style: chrX-31613687-C-A.
Other names: c.8193+32103G>T (NM_000109.4); c.4194+32103G>T (NM_004011.4); c.4185+32103G>T (NM_004012.4); c.837+32103G>T (NM_004023.3, NM_004020.4, NM_004022.3 and 2 more transcripts); c.8205+32103G>T (NM_004009.3); c.7848+32103G>T (NM_004010.3).
Identifiers: ClinVar variation 2499125 (VCV002499125.29), dbSNP rs2148165214, ClinGen allele CA2573055265.